The following is an entry in ClinVar:

NM_015506.3(MMACHC):c.466G>A (p.Gly156Ser)

Gene: MMACHC (metabolism of cobalamin associated C; plus strand). Cytogenetic location: 1p34.1.
Variant type: single nucleotide variant.
Coding change: c.466G>A on transcript NM_015506.3 (MANE Select); coding-DNA position 466, G replaced by A.
Protein change: p.Gly156Ser; replaces glycine 156 with serine.
Molecular consequence: missense variant.
Genome position (GRCh38, 1-based): chr1:45,508,832, G>A. VCF-style: chr1-45508832-G-A. GRCh37 (hg19) VCF-style: chr1-45974504-G-A.
Other names: c.295G>A, p.Gly99Ser (NM_001330540.2); short protein forms G156S, G99S.
Identifiers: ClinVar variation 1495958 (VCV001495958.6), dbSNP rs768353633, ClinGen allele CA827770.
Genomic context (GRCh38, chr1:45,508,832, plus strand): 5'-TGCTTTTCTTCACCCTCTCCCCAGCGCATATCAGGTGTGTGCATACACCCCCGATTTGGG[G>A]GCTGGTTTGCCATCCGAGGGGTAGTGCTGCTGCCAGGGATAGAGGTGCCAGATCTGCCAC-3'
Protein context (NP_056321.2, residues 146-166): SGVCIHPRFG[Gly156Ser]WFAIRGVVLL

ClinVar aggregate classification (germline): Likely pathogenic (1 of 4 stars; one submission).

Conditions:
Cobalamin C disease. Also called: Cobalamin-C methylmalonic acidemia and homocystinuria; Methylmalonic acidemia and homocystinuria cblC type; Methylmalonic aciduria with homocystinuria cblC type; methylmalonic aciduria and homocystinuria type cblC; Methylmalonic aciduria and homocystinuria, Vitamin B12-responsive; Vitamin B12 metabolic defect with combined deficiency of methylmalonyl-CoA mutase and homocysteine:methyltetrahydrofolate methyltransferase. Identifiers: Orphanet 26, Orphanet 79282, MedGen C1848561, MONDO:0010184, OMIM 277400.

Allele frequency attached by ClinVar (database versions not stated): gnomAD exomes below 0.00001; ExAC 0.00001.

Submission:

Labcorp Genetics (formerly Invitae), Labcorp
Classification: Likely pathogenic for Cobalamin C disease. Last evaluated: 2023-07-25. Review status: criteria provided, single submitter. Criteria: Invitae Variant Classification Sherloc (09022015). Collection method: clinical testing. Allele origin: germline.
Comment: This sequence change replaces glycine, which is neutral and non-polar, with serine, which is neutral and polar, at codon 156 of the MMACHC protein (p.Gly156Ser). This variant is present in population databases (rs768353633, gnomAD 0.0009%). This variant has not been reported in the literature in individuals affected with MMACHC-related conditions. ClinVar contains an entry for this variant (Variation ID: 1495958). Advanced modeling of protein sequence and biophysical properties (such as structural, functional, and spatial information, amino acid conservation, physicochemical variation, residue mobility, and thermodynamic stability) has been performed at Invitae for this missense variant, however the output from this modeling did not meet the statistical confidence thresholds required to predict the impact of this variant on MMACHC protein function. This variant disrupts the p.Gly156 amino acid residue in MMACHC. Other variant(s) that disrupt this residue have been determined to be pathogenic (PMID: 16311595, 30157807, 31092259). This suggests that this residue is clinically significant, and that variants that disrupt this residue are likely to be disease-causing. In summary, the currently available evidence indicates that the variant is pathogenic, but additional data are needed to prove that conclusively. Therefore, this variant has been classified as Likely Pathogenic.

Literature cited by the submitters: PubMed 16311595; PubMed 30157807; PubMed 31092259.